The following is an entry in ClinVar:

NM_198407.2(GHSR):c.938A>G (p.Tyr313Cys)

Gene: GHSR (growth hormone secretagogue receptor; minus strand). Cytogenetic location: 3q26.31.
Variant type: single nucleotide variant.
Coding change: c.938A>G on transcript NM_198407.2 (MANE Select); coding-DNA position 938, A replaced by G.
Protein change: p.Tyr313Cys; replaces tyrosine 313 with cysteine.
Molecular consequence: missense variant.
Genome position (GRCh38, 1-based): chr3:172,445,324, T>C on the plus strand (A>G on the coding strand, the complement: GHSR is on the minus strand). VCF-style: chr3-172445324-T-C. GRCh37 (hg19) VCF-style: chr3-172163114-T-C.
Other names: short protein forms Y313C.
Identifiers: ClinVar variation 4538082 (VCV004538082.2).

ClinVar aggregate classification (germline): Uncertain significance (1 of 4 stars; one submission).

Submission:

GeneDx
Classification: Uncertain significance. Last evaluated: 2026-09-13. Review status: criteria provided, single submitter. Criteria: GeneDx Variant Classification Process June 2021. Collection method: clinical testing. Allele origin: germline.
Comment: Not observed at significant frequency in large population cohorts (gnomAD); In silico analysis supports that this missense variant has a deleterious effect on protein structure/function; Has not been previously published as pathogenic or benign to our knowledge